The following is an entry in ClinVar:

ClinVar aggregate classification (germline): Likely benign. Review status: criteria provided, multiple submitters, no conflicts (2 of 4 stars). 2 submissions from 2 submitters: Likely benign (2). Last evaluated 2024-12-17.

Conditions:
TTLL5-related disorder. Also called: TTLL5-related condition.

gnomAD v4.1: 43 of 1,613,880 alleles (0.0027%); highest among the groups gnomAD compares: South Asian, 0.035%; no homozygotes.

Submissions (2):

PreventionGenetics, part of Exact Sciences
Classification: Likely benign for TTLL5-related condition. Last evaluated: 2024-12-17. Review status: criteria provided, single submitter. Criteria: ACMG Guidelines, 2015. Collection method: clinical testing. Allele origin: germline.
Comment: This variant is classified as likely benign based on ACMG/AMP sequence variant interpretation guidelines (Richards et al. 2015 PMID: 25741868, with internal and published modifications).

Labcorp Genetics (formerly Invitae), Labcorp
Classification: Likely benign. Last evaluated: 2024-11-05. Review status: criteria provided, single submitter. Criteria: Invitae Variant Classification Sherloc (09022015). Collection method: clinical testing. Allele origin: germline.

NM_015072.5(TTLL5):c.2760A>G (p.Gln920=)

Gene: TTLL5 (tubulin tyrosine ligase like 5; plus strand). Cytogenetic location: 14q24.3.
Variant type: single nucleotide variant.
Coding change: c.2760A>G on transcript NM_015072.5 (MANE Select); coding-DNA position 2760, A replaced by G.
Protein change: p.Gln920=; no amino-acid change (glutamine 920 retained).
Molecular consequence: synonymous variant.
Genome position (GRCh38, 1-based): chr14:75,783,304, A>G. VCF-style: chr14-75783304-A-G. GRCh37 (hg19) VCF-style: chr14-76249647-A-G.
Other names: c.2760A>G (NM_015072.4).
Identifiers: ClinVar variation 1938481 (VCV001938481.6), dbSNP rs765493292, ClinGen allele CA7279808.